The following is an entry in ClinVar:

NM_018896.5(CACNA1G):c.754A>G (p.Ser252Gly)

Gene: CACNA1G (calcium voltage-gated channel subunit alpha1 G; plus strand). Cytogenetic location: 17q21.33.
Variant type: single nucleotide variant.
Coding change: c.754A>G on transcript NM_018896.5 (MANE Select); coding-DNA position 754, A replaced by G.
Protein change: p.Ser252Gly; replaces serine 252 with glycine.
Molecular consequence: missense variant. On other transcripts: non-coding transcript variant (5).
Genome position (GRCh38, 1-based): chr17:50,572,561, A>G. VCF-style: chr17-50572561-A-G. GRCh37 (hg19) VCF-style: chr17-48649922-A-G.
Other names: c.754A>G, p.Ser252Gly (NM_001256324.2, NM_001256325.2, NM_001256326.2 and 24 more transcripts); short protein forms S252G.
Identifiers: ClinVar variation 2504367 (VCV002504367.1), dbSNP rs2544795345, ClinGen allele CA400231207.

ClinVar aggregate classification (germline): Uncertain significance (1 of 4 stars; one submission).

Submission:

GeneDx
Classification: Uncertain significance. Last evaluated: 2022-12-05. Review status: criteria provided, single submitter. Criteria: GeneDx Variant Classification Process June 2021. Collection method: clinical testing. Allele origin: germline. Affected: yes.
Comment: Not observed at significant frequency in large population cohorts (gnomAD); In silico analysis supports that this missense variant does not alter protein structure/function; Has not been previously published as pathogenic or benign to our knowledge